The following is an entry in ClinVar:

NM_203447.4(DOCK8):c.541C>G (p.His181Asp)

Gene: DOCK8 (dedicator of cytokinesis 8; plus strand). Cytogenetic location: 9p24.3.
Variant type: single nucleotide variant.
Coding change: c.541C>G on transcript NM_203447.4 (MANE Select); coding-DNA position 541, C replaced by G.
Protein change: p.His181Asp; replaces histidine 181 with aspartic acid.
Molecular consequence: missense variant.
Genome position (GRCh38, 1-based): chr9:311,966, C>G. VCF-style: chr9-311966-C-G. GRCh37 (hg19) VCF-style: chr9-311966-C-G.
Other names: c.337C>G, p.His113Asp (NM_001190458.2, NM_001193536.2); short protein forms H113D, H181D.
Identifiers: ClinVar variation 709398 (VCV000709398.40), dbSNP rs200684000, ClinGen allele CA4957311.
Genomic context (GRCh38, chr9:311,966, plus strand): 5'-TTTAGACTTGCCGTCTCTCTCACAAAGACCCACTGTTTTCTCTCACAGGCAGGCCCCCGC[C>G]ACTTAAACGTGCTGTGCGACGTGTCTGGGAAAGGCCCCGTCACTGCCTGTGACTTTGACC-3'
Protein context (NP_982272.2, residues 171-191): SEPAAQAGPR[His181Asp]LNVLCDVSGK

ClinVar aggregate classification (germline): Conflicting classifications of pathogenicity. Review status: criteria provided, conflicting classifications (1 of 4 stars). 4 submissions from 4 submitters: Uncertain significance (1); Likely benign (3). Last evaluated 2026-01-24.

Conditions:
Combined immunodeficiency due to DOCK8 deficiency (HIES2). Also called: DOCK8 Deficiency; HIES autosomal recessive; Hyper-IgE recurrent infection syndrome, autosomal recessive; HYPER-IgE RECURRENT INFECTION SYNDROME 2, AUTOSOMAL RECESSIVE; HYPER-IgE SYNDROME 2, AUTOSOMAL RECESSIVE, WITH RECURRENT INFECTIONS. Identifiers: Orphanet 217390, MedGen C4722305, MONDO:0009478, OMIM 243700.

Allele frequency attached by ClinVar (database versions not stated): ESP Exome Variant Server 0.00015; TOPMed 0.00019; 1000 Genomes Project 30x 0.00031; 1000 Genomes Project 0.00040; gnomAD exomes 0.00050 and 0.00103; gnomAD 0.00067 and 0.00070; ExAC 0.00077.
gnomAD v4.1: 818 of 1,614,040 alleles (0.051%); highest among the groups gnomAD compares: Non-Finnish European, 0.025%; 3 homozygotes.

Submissions (4):

Labcorp Genetics (formerly Invitae), Labcorp
Classification: Likely benign for Combined immunodeficiency due to DOCK8 deficiency. Last evaluated: 2026-01-24. Review status: criteria provided, single submitter. Criteria: Invitae Variant Classification Sherloc (09022015). Collection method: clinical testing. Allele origin: germline.

CeGaT Center for Human Genetics Tuebingen
Classification: Likely benign. Last evaluated: 2025-08-01. Review status: criteria provided, single submitter. Criteria: CeGaT Center For Human Genetics Tuebingen Variant Classification Criteria Version 2. Collection method: clinical testing. Allele origin: germline. Affected: yes. Observed: 4 variant alleles.
Comment: DOCK8: BP4

Blueprint Genetics
Classification: Likely benign. Last evaluated: 2024-10-02. Review status: criteria provided, single submitter. Criteria: ACMG Guidelines, 2015. Collection method: clinical testing. Allele origin: germline.

Illumina Laboratory Services, Illumina
Classification: Uncertain significance for Combined immunodeficiency due to DOCK8 deficiency. Last evaluated: 2018-01-13. Review status: criteria provided, single submitter. Criteria: ICSL Variant Classification Criteria 13 December 2019. Collection method: clinical testing. Allele origin: germline.